The following is an entry in ClinVar:

NM_001256447.2(BCAP31):c.398A>G (p.Asn133Ser)

Gene: BCAP31 (B cell receptor associated protein 31; minus strand). Cytogenetic location: Xq28.
Variant type: single nucleotide variant.
Coding change: c.398A>G on transcript NM_001256447.2 (MANE Select); coding-DNA position 398, A replaced by G.
Protein change: p.Asn133Ser; replaces asparagine 133 with serine.
Molecular consequence: missense variant.
Genome position (GRCh38, 1-based): chrX:153,704,038, T>C on the plus strand (A>G on the coding strand, the complement: BCAP31 is on the minus strand). VCF-style: chrX-153704038-T-C. GRCh37 (hg19) VCF-style: chrX-152969493-T-C.
Other names: c.398A>G, p.Asn133Ser (NM_001139441.1, NM_005745.8); c.599A>G, p.Asn200Ser (NM_001139457.2); c.599A>G (NM_001139457.1); short protein forms N133S, N200S.
Identifiers: ClinVar variation 2177356 (VCV002177356.7), dbSNP rs199876065, ClinGen allele CA10549775.

ClinVar aggregate classification (germline): Conflicting classifications of pathogenicity. Review status: criteria provided, conflicting classifications (1 of 4 stars). 3 submissions from 3 submitters: Uncertain significance (1); Likely benign (2). Last evaluated 2026-07-20.

Conditions:
Inborn genetic diseases. Identifiers: MedGen C0950123, MeSH D030342.
BCAP31-related disorder. Also called: BCAP31-related condition.

Allele frequency attached by ClinVar (database versions not stated): gnomAD 0.00005; TOPMed 0.00005; ExAC 0.00007; ESP Exome Variant Server 0.00009; gnomAD exomes 0.00010.

Submissions (3):

PreventionGenetics, part of Exact Sciences
Classification: Likely benign for BCAP31-related condition. Last evaluated: 2026-07-20. Review status: criteria provided, single submitter. Criteria: ACMG Guidelines, 2015. Collection method: clinical testing. Allele origin: germline.
Comment: This variant is classified as likely benign based on ACMG/AMP sequence variant interpretation guidelines (Richards et al. 2015 PMID: 25741868, with internal and published modifications).

Labcorp Genetics (formerly Invitae), Labcorp
Classification: Uncertain significance. Last evaluated: 2026-01-19. Review status: criteria provided, single submitter. Criteria: Invitae Variant Classification Sherloc (09022015). Collection method: clinical testing. Allele origin: germline.
Comment: This sequence change replaces asparagine, which is neutral and polar, with serine, which is neutral and polar, at codon 133 of the BCAP31 protein (p.Asn133Ser). This variant is present in population databases (rs199876065, gnomAD 0.03%). This variant has not been reported in the literature in individuals affected with BCAP31-related conditions. ClinVar contains an entry for this variant (Variation ID: 2177356). An algorithm developed to predict the effect of missense changes on protein structure and function (PolyPhen-2) suggests that this variant is likely to be tolerated. In summary, the available evidence is currently insufficient to determine the role of this variant in disease. Therefore, it has been classified as a Variant of Uncertain Significance.

Ambry Genetics
Classification: Likely benign for Inborn genetic diseases. Last evaluated: 2023-06-01. Review status: criteria provided, single submitter. Criteria: Ambry Variant Classification Scheme 2023. Collection method: clinical testing. Allele origin: germline.